The following is an entry in ClinVar:

NM_194248.3(OTOF):c.1926C>T (p.Asn642=)

Gene: OTOF (otoferlin; minus strand). Cytogenetic location: 2p23.3.
Variant type: single nucleotide variant.
Coding change: c.1926C>T on transcript NM_194248.3 (MANE Select); coding-DNA position 1926, C replaced by T.
Protein change: p.Asn642=; no amino-acid change (asparagine 642 retained).
Molecular consequence: synonymous variant.
Genome position (GRCh38, 1-based): chr2:26,479,640, G>A on the plus strand (C>T on the coding strand, the complement: OTOF is on the minus strand). VCF-style: chr2-26479640-G-A. GRCh37 (hg19) VCF-style: chr2-26702508-G-A.
Other names: p.Asn642=; c.1926C>T, p.Asn642= (NM_001287489.2).
Identifiers: ClinVar variation 21828 (VCV000021828.33), dbSNP rs72853741, ClinGen allele CA142768.
Genomic context (GRCh38, chr2:26,479,640, plus strand): 5'-CTCATCCCCCGGCTCCTTCCGGGGCCGAGGCCGCTGGGGCCGGGACAGGCCATCAACTTC[G>A]TTCCCATAGTTGCCTGGAGCAGAATGGGCCCAGAAGGCCTAGAGTGCATTCCCCACCAGG-3'
Protein context (NP_919224.1, residues 632-652): TFEVTIGNYG[Asn642=]EVDGLSRPQR

ClinVar aggregate classification (germline): Benign/Likely benign. Review status: criteria provided, multiple submitters, no conflicts (2 of 4 stars). 11 submissions from 11 submitters: Benign (8); Likely benign (2). 1 of the submissions does not count toward it. Last evaluated 2026-02-04.

Conditions:
Autosomal recessive nonsyndromic hearing loss 9. Also called: NEUROSENSORY NONSYNDROMIC RECESSIVE DEAFNESS 9; OTOF-Related Hearing Loss; Deafness, autosomal recessive 9; AUDITORY NEUROPATHY, AUTOSOMAL RECESSIVE, 1, TEMPERATURE-SENSITIVE. Identifiers: Orphanet 90636, MedGen C1832828, MONDO:0010986, OMIM 601071.

Allele frequency attached by ClinVar (database versions not stated): TOPMed 0.02729; ESP Exome Variant Server 0.03270; gnomAD exomes 0.01860; ExAC 0.01945; 1000 Genomes Project 0.01977; 1000 Genomes Project 30x 0.02014; gnomAD 0.02594 and 0.02727.
gnomAD v4.1: 35,622 of 1,612,446 alleles (2.2%); highest among the groups gnomAD compares: African/African-American, 4.6%; 489 homozygotes.

Submissions (11):

Labcorp Genetics (formerly Invitae), Labcorp
Classification: Benign. Last evaluated: 2026-02-04. Review status: criteria provided, single submitter. Criteria: Invitae Variant Classification Sherloc (09022015). Collection method: clinical testing. Allele origin: germline.

Women's Health and Genetics/Laboratory Corporation of America, LabCorp
Classification: Benign. Last evaluated: 2026-01-08. Review status: criteria provided, single submitter. Criteria: LabCorp Variant Classification Summary - May 2015. Collection method: clinical testing. Allele origin: germline.

ARUP Laboratories, Molecular Genetics and Genomics, ARUP Laboratories
Classification: Benign. Last evaluated: 2023-11-11. Review status: criteria provided, single submitter. Criteria: ARUP Molecular Germline Variant Investigation Process 2024. Collection method: clinical testing. Allele origin: germline.

Mayo Clinic Laboratories, Mayo Clinic
Classification: Benign. Last evaluated: 2021-02-19. Review status: criteria provided, single submitter. Criteria: ACMG Guidelines, 2015. Collection method: clinical testing. Allele origin: germline. Observed: 20 variant alleles.

Athena Diagnostics
Classification: Benign. Last evaluated: 2018-08-31. Review status: criteria provided, single submitter. Criteria: Athena Diagnostics Criteria. Collection method: clinical testing. Allele origin: germline.

Illumina Laboratory Services, Illumina
Classification: Likely benign for Autosomal recessive nonsyndromic hearing loss 9. Last evaluated: 2018-01-13. Review status: criteria provided, single submitter. Criteria: ICSL Variant Classification Criteria 13 December 2019. Collection method: clinical testing. Allele origin: germline.
Comment: This variant was observed in the ICSL laboratory as part of a predisposition screen in an ostensibly healthy population. It had not been previously curated by ICSL or reported in the Human Gene Mutation Database (HGMD: prior to June 1st, 2018), and was therefore a candidate for classification through an automated scoring system. Utilizing variant allele frequency, disease prevalence and penetrance estimates, and inheritance mode, an automated score was calculated to assess if this variant is too frequent to cause the disease. Based on the score and internal cut-off values, a variant classified as likely benign is not then subjected to further curation. The score for this variant resulted in a classification of likely benign for this disease.

GeneDx
Classification: Benign. Last evaluated: 2018-01-02. Review status: criteria provided, single submitter. Criteria: GeneDx Variant Classification (06012015). Collection method: clinical testing. Allele origin: germline. Affected: yes.
Comment: This variant is considered likely benign or benign based on one or more of the following criteria: it is a conservative change, it occurs at a poorly conserved position in the protein, it is predicted to be benign by multiple in silico algorithms, and/or has population frequency not consistent with disease.

Laboratory for Molecular Medicine, Mass General Brigham Personalized Medicine
Classification: Benign. Last evaluated: 2010-10-06. Review status: criteria provided, single submitter. Criteria: LMM Criteria. Collection method: clinical testing. Allele origin: germline. Observed: 90 variant alleles.
Comment: Asn642Asn in exon 17 of OTOF: This variant is not expected to have clinical sign ificance because it does not alter an amino acid residue, is not located near a splice junction, is listed in dbSNP (rs72853741 ? no frequency data), has been f ound in 5/150 (3%) cases in our laboratory (two of whom have other hearing loss etiologies), and is reported as benign in two publications (Smith 2008, Varga 20 06).

Breakthrough Genomics
Classification: Likely benign. Review status: criteria provided, single submitter. Criteria: ACMG Guidelines, 2015. Collection method: not provided. Allele origin: germline. Inheritance: Autosomal recessive inheritance. Affected: yes.

PreventionGenetics, part of Exact Sciences
Classification: Benign. Review status: criteria provided, single submitter. Criteria: ACMG Guidelines, 2015. Collection method: clinical testing. Allele origin: germline.

GeneReviews
No classification provided. Condition: Autosomal recessive nonsyndromic hearing loss 9. Review status: no classification provided. Collection method: literature only. Allele origin: unknown. Not counted in ClinVar's aggregate classification.

Literature cited by the submitters: PubMed 16371502 (cited by Athena Diagnostics and Laboratory for Molecular Medicine, Mass General Brigham Personalized Medicine); PubMed 20301429 (cited by GeneReviews); NCBI Bookshelf NBK1251 (cited by GeneReviews).